The following is an entry in ClinVar:

NM_000138.5(FBN1):c.2114-11A>C

Gene: FBN1 (fibrillin 1; minus strand). Cytogenetic location: 15q21.1.
Variant type: single nucleotide variant.
Coding change: c.2114-11A>C on transcript NM_000138.5 (MANE Select); 11 bases into the intron before coding-DNA position 2114, A replaced by C.
Molecular consequence: intron variant.
Genome position (GRCh38, 1-based): chr15:48,499,049, T>G on the plus strand (A>C on the coding strand, the complement: FBN1 is on the minus strand). VCF-style: chr15-48499049-T-G. GRCh37 (hg19) VCF-style: chr15-48791246-T-G.
Other names: c.2114-11A>C (NM_001406716.1).
Identifiers: ClinVar variation 3074480 (VCV003074480.1), dbSNP rs2505580543, ClinGen allele CA2825002276.

ClinVar aggregate classification (germline): Uncertain significance (1 of 4 stars; one submission).

Conditions:
Marfan syndrome (MFS). Also called: MARFAN SYNDROME, TYPE I; Marfan syndrome type 1; Marfan's syndrome; Marfan syndrome, classic; FBN1-Related Marfan Syndrome. Identifiers: Orphanet 284963, Orphanet 558, MedGen C0024796, MONDO:0007947, OMIM 154700.

Submission:

All of Us Research Program, National Institutes of Health
Classification: Uncertain significance for Marfan syndrome. Last evaluated: 2023-11-20. Review status: criteria provided, single submitter. Criteria: ACMG Guidelines, 2015. Collection method: clinical testing. Allele origin: germline. Inheritance: Autosomal dominant inheritance. Observed: 1 variant allele, 1 heterozygote.
Comment: This variant causes an A to C nucleotide substitution at the -11 position of intron 17 of the FBN1 gene. To our knowledge, functional studies have not been reported for this variant. This variant has not been reported in individuals affected with FBN1-related disorders in the literature. This variant has not been identified in the general population by the Genome Aggregation Database (gnomAD). The available evidence is insufficient to determine the role of this variant in disease conclusively. Therefore, this variant is classified as a Variant of Uncertain Significance.

This study involves interpretation of variants in research participants for the purpose of population health screening. Participant phenotype was not available at the time of variant classification. Additional details can be found in publication PMID: 35346344, PMCID: PMC8962531